The following is an entry in ClinVar:

NM_001128225.3(SLC39A13):c.113G>A (p.Arg38Gln)

Gene: SLC39A13 (solute carrier family 39 member 13; plus strand). Cytogenetic location: 11p11.2.
Variant type: single nucleotide variant.
Coding change: c.113G>A on transcript NM_001128225.3 (MANE Select); coding-DNA position 113, G replaced by A.
Protein change: p.Arg38Gln; replaces arginine 38 with glutamine.
Molecular consequence: missense variant. On other transcripts: non-coding transcript variant (1).
Genome position (GRCh38, 1-based): chr11:47,410,207, G>A. VCF-style: chr11-47410207-G-A. GRCh37 (hg19) VCF-style: chr11-47431758-G-A.
Other names: p.Arg38Gln; c.113G>A, p.Arg38Gln (NM_001330245.2, NM_152264.5); short protein forms R38Q.
Identifiers: ClinVar variation 1019768 (VCV001019768.9), dbSNP rs770839268, ClinGen allele CA5975666.
Genomic context (GRCh38, chr11:47,410,207, plus strand): 5'-TCCTCACTGCCCTTGCCCTGGAGCTCTTGGAAAGGGCTGGGGGTTCCCAGCCGGCCCTCC[G>A]GAGCCGGGGGACTGCGACGGCCTGTCGCCTGGACAACAAGGAAAGCGAGTCCTGGGGGGC-3'
Protein context (NP_001121697.2, residues 28-48): ERAGGSQPAL[Arg38Gln]SRGTATACRL

ClinVar aggregate classification (germline): Uncertain significance. Review status: criteria provided, multiple submitters, no conflicts (2 of 4 stars). 4 submissions from 4 submitters: Uncertain significance (4). Last evaluated 2023-07-10.

Conditions:
Ehlers-Danlos syndrome, spondylodysplastic type, 3. Also called: Ehlers-Danlos syndrome, spondylocheirodysplastic type. Identifiers: Orphanet 157965, MedGen C2676510, MONDO:0012873, OMIM 612350.
Inborn genetic diseases. Identifiers: MedGen C0950123, MeSH D030342.

Allele frequency attached by ClinVar (database versions not stated): ExAC 0.00001; gnomAD 0.00001; gnomAD exomes 0.00001 and 0.00002.

Submissions (4):

Labcorp Genetics (formerly Invitae), Labcorp
Classification: Uncertain significance for Ehlers-Danlos syndrome, spondylodysplastic type, 3. Last evaluated: 2023-07-10. Review status: criteria provided, single submitter. Criteria: Invitae Variant Classification Sherloc (09022015). Collection method: clinical testing. Allele origin: germline.
Comment: This sequence change replaces arginine, which is basic and polar, with glutamine, which is neutral and polar, at codon 38 of the SLC39A13 protein (p.Arg38Gln). This variant is present in population databases (rs770839268, gnomAD 0.003%). This variant has not been reported in the literature in individuals affected with SLC39A13-related conditions. ClinVar contains an entry for this variant (Variation ID: 1019768). Algorithms developed to predict the effect of missense changes on protein structure and function output the following: SIFT: "Not Available"; PolyPhen-2: "Benign"; Align-GVGD: "Not Available". The glutamine amino acid residue is found in multiple mammalian species, which suggests that this missense change does not adversely affect protein function. In summary, the available evidence is currently insufficient to determine the role of this variant in disease. Therefore, it has been classified as a Variant of Uncertain Significance.

Mayo Clinic Laboratories, Mayo Clinic
Classification: Uncertain significance. Last evaluated: 2023-04-14. Review status: criteria provided, single submitter. Criteria: ACMG Guidelines, 2015. Collection method: clinical testing. Allele origin: germline. Observed: 1 variant allele.
Comment: BP4

Ambry Genetics
Classification: Uncertain significance for Inborn genetic diseases. Last evaluated: 2021-09-17. Review status: criteria provided, single submitter. Criteria: Ambry Variant Classification Scheme 2023. Collection method: clinical testing. Allele origin: germline.

GeneDx
Classification: Uncertain significance. Last evaluated: 2020-08-12. Review status: criteria provided, single submitter. Criteria: GeneDx Variant Classification Process June 2021. Collection method: clinical testing. Allele origin: germline. Affected: yes.
Comment: Not observed at a significant frequency in large population cohorts (Lek et al., 2016); In silico analysis supports that this missense variant does not alter protein structure/function; Has not been previously published as pathogenic or benign to our knowledge